The following is an entry in ClinVar:

NM_004979.6(KCND1):c.909C>A (p.Phe303Leu)

Gene: KCND1 (potassium voltage-gated channel subfamily D member 1; minus strand). Cytogenetic location: Xp11.23.
Variant type: single nucleotide variant.
Coding change: c.909C>A on transcript NM_004979.6 (MANE Select); coding-DNA position 909, C replaced by A.
Protein change: p.Phe303Leu; replaces phenylalanine 303 with leucine.
Molecular consequence: missense variant.
Genome position (GRCh38, 1-based): chrX:48,969,363, G>T on the plus strand (C>A on the coding strand, the complement: KCND1 is on the minus strand). VCF-style: chrX-48969363-G-T. GRCh37 (hg19) VCF-style: chrX-48825770-G-T.
Other names: short protein forms F303L.
Identifiers: ClinVar variation 5009058 (VCV005009058.1).

ClinVar aggregate classification (germline): Uncertain significance (1 of 4 stars; one submission).

Submission:

GeneDx
Classification: Uncertain significance. Last evaluated: 2026-09-22. Review status: criteria provided, single submitter. Criteria: GeneDx Variant Classification Process June 2021. Collection method: clinical testing. Allele origin: germline.
Comment: Not observed at significant frequency in large population cohorts (gnomAD); In silico analysis supports that this missense variant has a deleterious effect on protein structure/function; Has not been previously published as pathogenic or benign to our knowledge